The following is an entry in ClinVar:

NM_014271.4(IL1RAPL1):c.1244A>C (p.Asp415Ala)

Gene: IL1RAPL1 (interleukin 1 receptor accessory protein like 1; plus strand). Cytogenetic location: Xp21.2.
Variant type: single nucleotide variant.
Coding change: c.1244A>C on transcript NM_014271.4 (MANE Select); coding-DNA position 1244, A replaced by C.
Protein change: p.Asp415Ala; replaces aspartic acid 415 with alanine.
Molecular consequence: missense variant.
Genome position (GRCh38, 1-based): chrX:29,954,564, A>C. VCF-style: chrX-29954564-A-C. GRCh37 (hg19) VCF-style: chrX-29972681-A-C.
Other names: short protein forms D415A.
Identifiers: ClinVar variation 4719332 (VCV004719332.1).
Genomic context (GRCh38, chrX:29,954,564, plus strand): 5'-TTTGGAATTTTTTGACAGACAATAAAGATTATGATGCATACTTATCATACACCAAAGTGG[A>C]TCCTGACCAGTGGAATCAAGAGACTGGGGAAGAAGAACGTTTTGCCCTTGAAATCCTACC-3'
Protein context (NP_055086.1, residues 405-425): YDAYLSYTKV[Asp415Ala]PDQWNQETGE

ClinVar aggregate classification (germline): Uncertain significance (1 of 4 stars; one submission).

Submission:

Labcorp Genetics (formerly Invitae), Labcorp
Classification: Uncertain significance. Last evaluated: 2025-09-28. Review status: criteria provided, single submitter. Criteria: Invitae Variant Classification Sherloc (09022015). Collection method: clinical testing. Allele origin: germline.
Comment: This sequence change replaces aspartic acid, which is acidic and polar, with alanine, which is neutral and non-polar, at codon 415 of the IL1RAPL1 protein (p.Asp415Ala). This variant is not present in population databases (gnomAD no frequency). This variant has not been reported in the literature in individuals affected with IL1RAPL1-related conditions. An algorithm developed to predict the effect of missense changes on protein structure and function (PolyPhen-2) suggests that this variant is likely to be tolerated. In summary, the available evidence is currently insufficient to determine the role of this variant in disease. Therefore, it has been classified as a Variant of Uncertain Significance.